The following is an entry in ClinVar:

NM_031407.7(HUWE1):c.8840C>T (p.Pro2947Leu)

Gene: HUWE1 (HECT, UBA and WWE domain containing E3 ubiquitin protein ligase 1; minus strand). Cytogenetic location: Xp11.22.
Variant type: single nucleotide variant.
Coding change: c.8840C>T on transcript NM_031407.7 (MANE Select); coding-DNA position 8840, C replaced by T.
Protein change: p.Pro2947Leu; replaces proline 2947 with leucine.
Molecular consequence: missense variant.
Genome position (GRCh38, 1-based): chrX:53,552,352, G>A on the plus strand (C>T on the coding strand, the complement: HUWE1 is on the minus strand). VCF-style: chrX-53552352-G-A. GRCh37 (hg19) VCF-style: chrX-53579313-G-A.
Other names: short protein forms P2947L.
Identifiers: ClinVar variation 1314720 (VCV001314720.7), dbSNP rs2147326587, ClinGen allele CA413144674.

ClinVar aggregate classification (germline): Uncertain significance. Review status: criteria provided, multiple submitters, no conflicts (2 of 4 stars). 3 submissions from 3 submitters: Uncertain significance (3). Last evaluated 2023-08-08.

Conditions:
Intellectual developmental disorder, X-linked, syndromic, Turner type. Also called: Intellectual disability, X-linked syndromic, Turner type; X-linked intellectual disability, Turner type. Identifiers: Orphanet 3056, Orphanet 85328, MedGen C2678046, MONDO:0010407, OMIM 309590.

Submissions (3):

Labcorp Genetics (formerly Invitae), Labcorp
Classification: Uncertain significance. Last evaluated: 2023-08-08. Review status: criteria provided, single submitter. Criteria: Invitae Variant Classification Sherloc (09022015). Collection method: clinical testing. Allele origin: germline.
Comment: This sequence change replaces proline, which is neutral and non-polar, with leucine, which is neutral and non-polar, at codon 2947 of the HUWE1 protein (p.Pro2947Leu). This variant is not present in population databases (gnomAD no frequency). This variant has not been reported in the literature in individuals affected with HUWE1-related conditions. ClinVar contains an entry for this variant (Variation ID: 1314720). Advanced modeling of protein sequence and biophysical properties (such as structural, functional, and spatial information, amino acid conservation, physicochemical variation, residue mobility, and thermodynamic stability) has been performed at Invitae for this missense variant, however the output from this modeling did not meet the statistical confidence thresholds required to predict the impact of this variant on HUWE1 protein function. In summary, the available evidence is currently insufficient to determine the role of this variant in disease. Therefore, it has been classified as a Variant of Uncertain Significance.

Revvity Omics, Revvity
Classification: Uncertain significance for Intellectual developmental disorder, X-linked, syndromic, Turner type. Last evaluated: 2021-11-27. Review status: criteria provided, single submitter. Criteria: ACMG Guidelines, 2015. Collection method: clinical testing. Allele origin: germline.

GeneDx
Classification: Uncertain significance. Last evaluated: 2020-01-30. Review status: criteria provided, single submitter. Criteria: GeneDx Variant Classification Process June 2021. Collection method: clinical testing. Allele origin: germline. Affected: yes.
Comment: Not observed in large population cohorts (Lek et al., 2016); In silico analysis, which includes protein predictors and evolutionary conservation, supports a deleterious effect; Has not been previously published as pathogenic or benign to our knowledge